The following is an entry in ClinVar:

ClinVar aggregate classification (germline): Likely benign (0 of 4 stars; one submission).

Conditions:
EPG5-related disorder. Also called: EPG5-related condition. Identifiers: MedGen CN381528.

gnomAD v4.1: 1 of 1,605,748 alleles (0.000062%); highest among the groups gnomAD compares: African/African-American, 0.0013%; no homozygotes.

Submission:

PreventionGenetics, part of Exact Sciences
Classification: Likely benign for EPG5-related condition. Last evaluated: 2024-05-08. Review status: no assertion criteria provided. Collection method: clinical testing. Allele origin: germline.
Comment: This variant is classified as likely benign based on ACMG/AMP sequence variant interpretation guidelines (Richards et al. 2015 PMID: 25741868, with internal and published modifications).

NM_020964.3(EPG5):c.5280T>C (p.Asp1760=)

Gene: EPG5 (ectopic P-granules 5 autophagy tethering factor; minus strand). Cytogenetic location: 18q12.3.
Variant type: single nucleotide variant.
Coding change: c.5280T>C on transcript NM_020964.3 (MANE Select); coding-DNA position 5280, T replaced by C.
Protein change: p.Asp1760=; no amino-acid change (aspartic acid 1760 retained).
Molecular consequence: synonymous variant.
Genome position (GRCh38, 1-based): chr18:45,884,641, A>G on the plus strand (T>C on the coding strand, the complement: EPG5 is on the minus strand). VCF-style: chr18-45884641-A-G. GRCh37 (hg19) VCF-style: chr18-43464606-A-G.
Other names: c.5280T>C, p.Asp1760= (NM_001410858.1, NM_001410859.1).
Identifiers: ClinVar variation 3344327 (VCV003344327.1).